The following is an entry in ClinVar:

NC_000012.11:g.(?_111057621)_(111057781_?)del

Gene: TCTN1 (tectonic family member 1; plus strand). Cytogenetic location: 12q24.11.
Variant type: Deletion.
Identifiers: ClinVar variation 3244265 (VCV003244265.1).

ClinVar aggregate classification (germline): Pathogenic (1 of 4 stars; one submission).

Conditions:
Joubert syndrome. Also called: CEREBELLOPARENCHYMAL DISORDER IV; JOUBERT-BOLTSHAUSER SYNDROME; Familial aplasia of the vermis. Identifiers: Orphanet 475, MedGen C5979921, MONDO:0018772.
Meckel-Gruber syndrome. Also called: DYSENCEPHALIA SPLANCHNOCYSTICA; GRUBER SYNDROME; Dysencephalia splachnocystica. Identifiers: Orphanet 564, MedGen C0265215, MONDO:0018921.

Submission:

Labcorp Genetics (formerly Invitae), Labcorp
Classification: Pathogenic for Joubert syndrome; Meckel-Gruber syndrome. Last evaluated: 2023-09-20. Review status: criteria provided, single submitter. Criteria: Invitae Variant Classification Sherloc (09022015). Collection method: clinical testing. Allele origin: unknown.
Comment: For these reasons, this variant has been classified as Pathogenic. This variant has not been reported in the literature in individuals affected with TCTN1-related conditions. This variant is a gross deletion of the genomic region encompassing exon(s) 2 of the TCTN1 gene. This deletion is out-of-frame, and is expected to create a premature termination codon and result in an absent or disrupted protein product. Loss-of-function variants in TCTN1 are known to be pathogenic (PMID: 21725307, 22693042, 27894351).

Literature cited by the submitters: PubMed 21725307; PubMed 22693042; PubMed 27894351.